The following is an entry in ClinVar:

ClinVar aggregate classification (germline): Uncertain significance (1 of 4 stars; one submission).

Allele frequency attached by ClinVar (database versions not stated): gnomAD 0.00003 and 0.00004; ExAC 0.00004; gnomAD exomes 0.00005; ESP Exome Variant Server 0.00008.
gnomAD v4.1: 138 of 1,614,078 alleles (0.0085%); highest among the groups gnomAD compares: Non-Finnish European, 0.011%; no homozygotes.

Submission:

Labcorp Genetics (formerly Invitae), Labcorp
Classification: Uncertain significance. Last evaluated: 2022-08-23. Review status: criteria provided, single submitter. Criteria: Invitae Variant Classification Sherloc (09022015). Collection method: clinical testing. Allele origin: germline.
Comment: This sequence change replaces proline, which is neutral and non-polar, with serine, which is neutral and polar, at codon 380 of the CAD protein (p.Pro380Ser). This variant is present in population databases (rs368071348, gnomAD 0.01%). This variant has not been reported in the literature in individuals affected with CAD-related conditions. ClinVar contains an entry for this variant (Variation ID: 1345281). Algorithms developed to predict the effect of missense changes on protein structure and function output the following: SIFT: "Tolerated"; PolyPhen-2: "Benign"; Align-GVGD: "Class C0". The serine amino acid residue is found in multiple mammalian species, which suggests that this missense change does not adversely affect protein function. In summary, the available evidence is currently insufficient to determine the role of this variant in disease. Therefore, it has been classified as a Variant of Uncertain Significance.

NM_004341.5(CAD):c.1138C>T (p.Pro380Ser)

Gene: CAD (carbamoyl-phosphate synthetase 2, aspartate transcarbamylase, and dihydroorotase; plus strand). Cytogenetic location: 2p23.3.
Variant type: single nucleotide variant.
Coding change: c.1138C>T on transcript NM_004341.5 (MANE Select); coding-DNA position 1138, C replaced by T.
Protein change: p.Pro380Ser; replaces proline 380 with serine.
Molecular consequence: missense variant.
Genome position (GRCh38, 1-based): chr2:27,224,374, C>T. VCF-style: chr2-27224374-C-T. GRCh37 (hg19) VCF-style: chr2-27447242-C-T.
Other names: c.1138C>T, p.Pro380Ser (NM_001306079.2); short protein forms P380S.
Identifiers: ClinVar variation 1345281 (VCV001345281.3), dbSNP rs368071348, ClinGen allele CA1572627.